The following is an entry in ClinVar:

NM_015295.3(SMCHD1):c.1339T>A (p.Ser447Thr)

Gene: SMCHD1 (structural maintenance of chromosomes flexible hinge domain containing 1; plus strand). Cytogenetic location: 18p11.32.
Variant type: single nucleotide variant.
Coding change: c.1339T>A on transcript NM_015295.3 (MANE Select); coding-DNA position 1339, T replaced by A.
Protein change: p.Ser447Thr; replaces serine 447 with threonine.
Molecular consequence: missense variant.
Genome position (GRCh38, 1-based): chr18:2,698,038, T>A. VCF-style: chr18-2698038-T-A. GRCh37 (hg19) VCF-style: chr18-2698036-T-A.
Other names: short protein forms S447T.
Identifiers: ClinVar variation 939519 (VCV000939519.9), dbSNP rs1325548788, ClinGen allele CA401698082.
Genomic context (GRCh38, chr18:2,698,038, plus strand): 5'-ATCCGTTATCATCCATTCTTATATGATAGAGAAACTTACCCTGATGATCCATGCTTTCCA[T>A]CAAGTATGTTAATCTGTTATCTTAGTTATAAAATATGAAGTTGTAATTTAGGACAGTGAT-3'
Protein context (NP_056110.2, residues 437-457): ETYPDDPCFP[Ser447Thr]KLKDEDDEDD

ClinVar aggregate classification (germline): Uncertain significance (1 of 4 stars; one submission).

Conditions:
Facioscapulohumeral muscular dystrophy 2 (FSHD2). Also called: MUSCULAR DYSTROPHY, FACIOSCAPULOHUMERAL, TYPE 1B; FACIOSCAPULOHUMERAL MUSCULAR DYSTROPHY 2, DIGENIC; FSHD2, DIGENIC. Identifiers: Orphanet 269, MedGen C1834671, MONDO:0008031, OMIM 158901.

Allele frequency attached by ClinVar (database versions not stated): gnomAD 0.00001; TOPMed 0.00001.
gnomAD v4.1: 2 of 1,602,782 alleles (0.00012%); highest among the groups gnomAD compares: East Asian, 0.0045%; no homozygotes.

Submission:

Labcorp Genetics (formerly Invitae), Labcorp
Classification: Uncertain significance for Facioscapulohumeral muscular dystrophy 2. Last evaluated: 2022-10-18. Review status: criteria provided, single submitter. Criteria: Invitae Variant Classification Sherloc (09022015). Collection method: clinical testing. Allele origin: germline.
Comment: This sequence change replaces serine, which is neutral and polar, with threonine, which is neutral and polar, at codon 447 of the SMCHD1 protein (p.Ser447Thr). In summary, the available evidence is currently insufficient to determine the role of this variant in disease. Therefore, it has been classified as a Variant of Uncertain Significance. Advanced modeling of protein sequence and biophysical properties (such as structural, functional, and spatial information, amino acid conservation, physicochemical variation, residue mobility, and thermodynamic stability) performed at Invitae indicates that this missense variant is not expected to disrupt SMCHD1 protein function. ClinVar contains an entry for this variant (Variation ID: 939519). This variant has not been reported in the literature in individuals affected with SMCHD1-related conditions. This variant is not present in population databases (gnomAD no frequency).